The following is an entry in ClinVar:

NM_001346754.2(PIGW):c.322C>T (p.Pro108Ser)

Genes: MYO19 (myosin XIX; minus strand), PIGW (phosphatidylinositol glycan anchor biosynthesis class W; plus strand). Cytogenetic location: 17q12.
Variant type: single nucleotide variant.
Coding change: c.322C>T on transcript NM_001346754.2 (MANE Select); coding-DNA position 322, C replaced by T.
Protein change: p.Pro108Ser; replaces proline 108 with serine.
Molecular consequence: missense variant.
Genome position (GRCh38, 1-based): chr17:36,537,423, C>T. VCF-style: chr17-36537423-C-T. GRCh37 (hg19) VCF-style: chr17-34893272-C-T.
Other names: c.322C>T, p.Pro108Ser (NM_001346755.2, NM_178517.5); short protein forms P108S.
Identifiers: ClinVar variation 2007869 (VCV002007869.4), dbSNP rs2510226726, ClinGen allele CA399162424.

ClinVar aggregate classification (germline): Uncertain significance (1 of 4 stars; one submission).

Conditions:
Hyperphosphatasia with intellectual disability syndrome 5 (GPIBD11). Also called: GLYCOSYLPHOSPHATIDYLINOSITOL BIOSYNTHESIS DEFECT 11. Identifiers: Orphanet 247262, MedGen C4014958, MONDO:0014457, OMIM 616025.

Submission:

Labcorp Genetics (formerly Invitae), Labcorp
Classification: Uncertain significance for Hyperphosphatasia with intellectual disability syndrome 5. Last evaluated: 2022-10-25. Review status: criteria provided, single submitter. Criteria: Invitae Variant Classification Sherloc (09022015). Collection method: clinical testing. Allele origin: germline.
Comment: This sequence change replaces proline, which is neutral and non-polar, with serine, which is neutral and polar, at codon 108 of the PIGW protein (p.Pro108Ser). This variant is not present in population databases (gnomAD no frequency). This variant has not been reported in the literature in individuals affected with PIGW-related conditions. Algorithms developed to predict the effect of missense changes on protein structure and function (SIFT, PolyPhen-2, Align-GVGD) all suggest that this variant is likely to be tolerated. In summary, the available evidence is currently insufficient to determine the role of this variant in disease. Therefore, it has been classified as a Variant of Uncertain Significance.